The following is an entry in ClinVar:

ClinVar aggregate classification (germline): Benign (1 of 4 stars; one submission).

Allele frequency attached by ClinVar (database versions not stated): 1000 Genomes Project 30x 0.00047; ESP Exome Variant Server 0.00074; ExAC 0.00147.
gnomAD v4.1: 1,603 of 1,613,932 alleles (0.099%); highest among the groups gnomAD compares: Middle Eastern, 0.12%; 1 homozygote.

Submission:

CeGaT Center for Human Genetics Tuebingen
Classification: Benign. Last evaluated: 2022-07-01. Review status: criteria provided, single submitter. Criteria: CeGaT Center For Human Genetics Tuebingen Variant Classification Criteria Version 2. Collection method: clinical testing. Allele origin: germline. Affected: yes. Observed: 2 variant alleles.
Comment: ABCA13: BS1, BS2

NM_152701.5(ABCA13):c.9421G>A (p.Ala3141Thr)

Gene: ABCA13 (ATP binding cassette subfamily A member 13; plus strand). Cytogenetic location: 7p12.3.
Variant type: single nucleotide variant.
Coding change: c.9421G>A on transcript NM_152701.5 (MANE Select); coding-DNA position 9421, G replaced by A.
Protein change: p.Ala3141Thr; replaces alanine 3141 with threonine.
Molecular consequence: missense variant.
Genome position (GRCh38, 1-based): chr7:48,310,046, G>A. VCF-style: chr7-48310046-G-A. GRCh37 (hg19) VCF-style: chr7-48349643-G-A.
Other names: short protein forms A3141T.
Identifiers: ClinVar variation 2657484 (VCV002657484.24), dbSNP rs200534229, ClinGen allele CA4257999.